The following is an entry in ClinVar:

NM_007264.4(ACKR5):c.1014C>T (p.Tyr338=)

Gene: ACKR5 (atypical chemokine receptor 5; plus strand). Cytogenetic location: 12q13.3.
Variant type: single nucleotide variant.
Coding change: c.1014C>T on transcript NM_007264.4 (MANE Select); coding-DNA position 1014, C replaced by T.
Protein change: p.Tyr338=; no amino-acid change (tyrosine 338 retained).
Molecular consequence: synonymous variant.
Genome position (GRCh38, 1-based): chr12:56,996,223, C>T. VCF-style: chr12-56996223-C-T. GRCh37 (hg19) VCF-style: chr12-57390007-C-T.
Identifiers: ClinVar variation 2643105 (VCV002643105.24), dbSNP rs2547939798, ClinGen allele CA480382907.

ClinVar aggregate classification (germline): Likely benign (1 of 4 stars; one submission).

Submission:

CeGaT Center for Human Genetics Tuebingen
Classification: Likely benign. Last evaluated: 2023-04-01. Review status: criteria provided, single submitter. Criteria: CeGaT Center For Human Genetics Tuebingen Variant Classification Criteria Version 2. Collection method: clinical testing. Allele origin: germline. Affected: yes. Observed: 1 variant allele.
Comment: ACKR5: PM2:Supporting, BP4, BP7